The following is an entry in ClinVar:

ClinVar aggregate classification (germline): Pathogenic. Review status: criteria provided, multiple submitters, no conflicts (2 of 4 stars). 9 submissions from 9 submitters: Pathogenic (7). 2 of the submissions do not count toward it. Last evaluated 2025-10-30.

Conditions:
Sialuria. Also called: SIALURIA, FRENCH TYPE; Sialic Acid Storage Disease. Identifiers: Orphanet 3166, MedGen C0342853, MONDO:0010028, OMIM 269921.
Thrombocytopenia 12 with or without myopathy (THC12). Identifiers: MedGen C5935593, MONDO:0958325, OMIM 620757.
GNE myopathy (NM). Also called: NONAKA DISTAL MYOPATHY; INCLUSION BODY MYOPATHY, HEREDITARY, AUTOSOMAL RECESSIVE; INCLUSION BODY MYOPATHY 2, AUTOSOMAL RECESSIVE; MYOPATHY, DISTAL, WITH OR WITHOUT RIMMED VACUOLES; IBM 2; Inclusion body myopathy autosomal recessive. Identifiers: Orphanet 602, MedGen C1853926, MONDO:0011603, OMIM 605820.

Allele frequency attached by ClinVar (database versions not stated): 1000 Genomes Project 0.00020; gnomAD exomes 0.00002; 1000 Genomes Project 30x 0.00016; gnomAD 0.00001; ExAC 0.00002.

Submissions (9):

Natera, Inc.
Classification: Pathogenic for Nonaka myopathy. Last evaluated: 2025-10-30. Review status: criteria provided, single submitter. Criteria: Natera Variant Classification Schema (03/2026). Collection method: clinical testing. Allele origin: germline.
Comment: The c.1807G>C variant in GNE is a missense variant predicted to cause substitution of valine to leucine at amino acid 603. This variant is rare in the general population with a frequency below the threshold expected for the associated phenotype(s). This variant has been observed in one or more individuals affected with the associated recessive disease, as either homozygous or compound heterozygous with a second variant (PMID: 24027297). Computational prediction algorithms indicate this variant is likely to affect gene or protein function. Given the available evidence, this variant is classified as Pathogenic.

Revvity Omics, Revvity
Classification: Pathogenic. Last evaluated: 2025-04-13. Review status: criteria provided, single submitter. Criteria: ACMG Guidelines, 2015. Collection method: clinical testing. Allele origin: germline.

Fulgent Genetics
Classification: Pathogenic for Sialuria; GNE myopathy; Thrombocytopenia 12 with or without myopathy. Last evaluated: 2024-02-24. Review status: criteria provided, single submitter. Criteria: ACMG Guidelines, 2015. Collection method: clinical testing. Allele origin: germline.

Baylor Genetics
Classification: Pathogenic for GNE myopathy. Last evaluated: 2024-01-03. Review status: criteria provided, single submitter. Criteria: ACMG Guidelines, 2015. Collection method: clinical testing. Allele origin: unknown.

Labcorp Genetics (formerly Invitae), Labcorp
Classification: Pathogenic for Sialuria; GNE myopathy. Last evaluated: 2023-10-06. Review status: criteria provided, single submitter. Criteria: Invitae Variant Classification Sherloc (09022015). Collection method: clinical testing. Allele origin: germline.
Comment: This sequence change replaces valine, which is neutral and non-polar, with leucine, which is neutral and non-polar, at codon 603 of the GNE protein (p.Val603Leu). This variant is present in population databases (rs121908632, gnomAD 0.02%). This missense change has been observed in individuals with autosomal recessive distal myopathy with rimmed vacuoles (DMRV) (PMID: 11916006, 12177386, 12325084, 12913203, 16503389, 18383535, 25257349, 26161358, 27363342, 27829678). It has also been observed to segregate with disease in related individuals. ClinVar contains an entry for this variant (Variation ID: 6033). Advanced modeling of protein sequence and biophysical properties (such as structural, functional, and spatial information, amino acid conservation, physicochemical variation, residue mobility, and thermodynamic stability) has been performed at Invitae for this missense variant, however the output from this modeling did not meet the statistical confidence thresholds required to predict the impact of this variant on GNE protein function. Experimental studies have shown that this missense change affects GNE function (PMID: 14707127). For these reasons, this variant has been classified as Pathogenic.

Myriad Genetics, Inc.
Classification: Pathogenic for GNE myopathy. Last evaluated: 2019-12-09. Review status: criteria provided, single submitter. Criteria: Myriad Women's Health Autosomal Recessive and X-Linked Classification Criteria (2019). Collection method: clinical testing. Allele origin: unknown.
Comment: NM_005476.5(GNE):c.1714G>C(V572L) is classified as pathogenic in the context of GNE myopathy. Sources cited for classification include the following: PMID 16372135, 12325084, 2473753, 17164266 and 14707127. Classification of NM_005476.5(GNE):c.1714G>C(V572L) is based on the following criteria: This is a well-established pathogenic variant in the literature that has been observed more frequently in patients with clinical diagnoses than in healthy populations. Please note: this variant was assessed in the context of healthy population screening.

Eurofins Ntd Llc (ga)
Classification: Pathogenic. Last evaluated: 2016-11-15. Review status: criteria provided, single submitter. Criteria: EGL Classification Definitions 2015. Collection method: clinical testing. Allele origin: germline. Observed: 23 variant alleles, 17 heterozygotes, 6 homozygotes.

OMIM
Classification: Pathogenic for NONAKA MYOPATHY. Last evaluated: 2006-01-01. Review status: no assertion criteria provided. Collection method: literature only. Allele origin: germline. Not counted in ClinVar's aggregate classification.

GeneReviews
No classification provided. Condition: GNE myopathy. Review status: no classification provided. Collection method: literature only. Allele origin: germline. Not counted in ClinVar's aggregate classification.

Literature cited by the submitters: PubMed 24027297 (cited by Natera, Inc. and GeneReviews); PubMed 11916006 (cited by 3 submitters); PubMed 12177386 (cited by Labcorp Genetics (formerly Invitae), Labcorp and OMIM); PubMed 12325084 (cited by 3 submitters); PubMed 12913203 (cited by Labcorp Genetics (formerly Invitae), Labcorp); PubMed 16503389 (cited by Labcorp Genetics (formerly Invitae), Labcorp); PubMed 18383535 (cited by Labcorp Genetics (formerly Invitae), Labcorp); PubMed 25257349 (cited by Labcorp Genetics (formerly Invitae), Labcorp); PubMed 26161358 (cited by Labcorp Genetics (formerly Invitae), Labcorp); PubMed 27363342 (cited by Labcorp Genetics (formerly Invitae), Labcorp); PubMed 27829678 (cited by Labcorp Genetics (formerly Invitae), Labcorp); PubMed 14707127 (cited by Labcorp Genetics (formerly Invitae), Labcorp and Myriad Genetics, Inc.); PubMed 16372135 (cited by Myriad Genetics, Inc. and OMIM); PubMed 2473753 (cited by Myriad Genetics, Inc.); PubMed 17164266 (cited by Myriad Genetics, Inc.); PubMed 22507750 (cited by Eurofins Ntd Llc (ga)); PubMed 15136692 (cited by OMIM); PubMed 25986339 (cited by GeneReviews); PubMed 30390020 (cited by GeneReviews); PubMed 31286697 (cited by GeneReviews); PubMed 20301439 (cited by GeneReviews).

NM_005476.7(GNE):c.1714G>C (p.Val572Leu)

Gene: GNE (glucosamine (UDP-N-acetyl)-2-epimerase/N-acetylmannosamine kinase; minus strand). Cytogenetic location: 9p13.3.
Variant type: single nucleotide variant.
Coding change: c.1714G>C on transcript NM_005476.7 (MANE Select); coding-DNA position 1714, G replaced by C.
Protein change: p.Val572Leu; replaces valine 572 with leucine.
Molecular consequence: missense variant.
Genome position (GRCh38, 1-based): chr9:36,219,940, C>G on the plus strand (G>C on the coding strand, the complement: GNE is on the minus strand). VCF-style: chr9-36219940-C-G. GRCh37 (hg19) VCF-style: chr9-36219937-C-G.
Other names: c.1807G>C, p.Val603Leu (NM_001128227.3); c.1492G>C, p.Val498Leu (NM_001190383.3); c.1384G>C, p.Val462Leu (NM_001190384.3); c.1537G>C, p.Val513Leu (NM_001190388.2, NM_001374798.1); c.1561G>C, p.Val521Leu (NM_001374797.1); short protein forms V572L, V603L, V498L, V462L, V513L, V521L.
Identifiers: ClinVar variation 6033 (VCV000006033.31), dbSNP rs121908632, ClinGen allele CA274932.